The following is an entry in ClinVar:

ClinVar aggregate classification (germline): Likely benign. Review status: criteria provided, single submitter (1 of 4 stars). 2 submissions from 2 submitters: Likely benign (1). 1 of the submissions does not count toward it. Last evaluated 2024-03-01.

Conditions:
CRB2-related disorder. Also called: CRB2-related condition; CRB2-related disorders.

Allele frequency attached by ClinVar (database versions not stated): gnomAD 0.00003; TOPMed 0.00005.
gnomAD v4.1: 23 of 1,589,956 alleles (0.0014%); highest among the groups gnomAD compares: Admixed American, 0.025%; no homozygotes.

Submissions (2):

Labcorp Genetics (formerly Invitae), Labcorp
Classification: Likely benign. Last evaluated: 2024-03-01. Review status: criteria provided, single submitter. Criteria: Invitae Variant Classification Sherloc (09022015). Collection method: clinical testing. Allele origin: germline.

PreventionGenetics, part of Exact Sciences
Classification: Likely benign for CRB2-related condition. Last evaluated: 2023-12-11. Review status: no assertion criteria provided. Collection method: clinical testing. Allele origin: germline. Not counted in ClinVar's aggregate classification.
Comment: This variant is classified as likely benign based on ACMG/AMP sequence variant interpretation guidelines (Richards et al. 2015 PMID: 25741868, with internal and published modifications).

NM_173689.7(CRB2):c.3225C>T (p.Phe1075=)

Gene: CRB2 (crumbs cell polarity complex component 2; plus strand). Cytogenetic location: 9q33.3.
Variant type: single nucleotide variant.
Coding change: c.3225C>T on transcript NM_173689.7 (MANE Select); coding-DNA position 3225, C replaced by T.
Protein change: p.Phe1075=; no amino-acid change (phenylalanine 1075 retained).
Molecular consequence: synonymous variant. On other transcripts: non-coding transcript variant (1).
Genome position (GRCh38, 1-based): chr9:123,373,756, C>T. VCF-style: chr9-123373756-C-T. GRCh37 (hg19) VCF-style: chr9-126136035-C-T.
Other names: c.3225C>T (NM_173689.6).
Identifiers: ClinVar variation 1104955 (VCV001104955.11), dbSNP rs889337568, ClinGen allele CA199639263.